The following is an entry in ClinVar:

ClinVar aggregate classification (germline): Likely benign. Review status: criteria provided, multiple submitters, no conflicts (2 of 4 stars). 2 submissions from 2 submitters: Likely benign (2). Last evaluated 2025-08-28.

Conditions:
Tuberous sclerosis 1 (TSC1). Identifiers: Orphanet 805, MedGen C1854465, MONDO:0008612, OMIM 191100.

Allele frequency attached by ClinVar (database versions not stated): TOPMed below 0.00001.

Submissions (2):

Labcorp Genetics (formerly Invitae), Labcorp
Classification: Likely benign for Tuberous sclerosis 1. Last evaluated: 2025-08-28. Review status: criteria provided, single submitter. Criteria: Invitae Variant Classification Sherloc (09022015). Collection method: clinical testing. Allele origin: germline.

Myriad Genetics, Inc.
Classification: Likely benign for Tuberous sclerosis 1. Last evaluated: 2025-04-09. Review status: criteria provided, single submitter. Criteria: Myriad Autosomal Dominant, Autosomal Recessive and X-Linked Classification Criteria (2023). Collection method: clinical testing. Allele origin: unknown.
Comment: This variant is considered likely benign. This variant is intronic and is not expected to impact mRNA splicing.

NM_000368.5(TSC1):c.1264-17G>T

Gene: TSC1 (TSC complex subunit 1; minus strand). Cytogenetic location: 9q34.13.
Variant type: single nucleotide variant.
Coding change: c.1264-17G>T on transcript NM_000368.5 (MANE Select); 17 bases into the intron before coding-DNA position 1264, G replaced by T.
Molecular consequence: intron variant.
Genome position (GRCh38, 1-based): chr9:132,907,387, C>A on the plus strand (G>T on the coding strand, the complement: TSC1 is on the minus strand). VCF-style: chr9-132907387-C-A. GRCh37 (hg19) VCF-style: chr9-135782774-C-A.
Other names: c.901-17G>T (NM_001362177.2); c.1111-17G>T (NM_001162427.2); c.1261-17G>T (NM_001162426.2).
Identifiers: ClinVar variation 1566738 (VCV001566738.9), dbSNP rs1845730385, ClinGen allele CA1882415669.